The following is an entry in ClinVar:

ClinVar aggregate classification (germline): Likely pathogenic (1 of 4 stars; one submission).

Submission:

GeneDx
Classification: Likely pathogenic. Last evaluated: 2026-09-25. Review status: criteria provided, single submitter. Criteria: GeneDx Variant Classification Process June 2021. Collection method: clinical testing. Allele origin: germline.
Comment: Not observed at significant frequency in large population cohorts (gnomAD); In silico analysis supports that this missense variant has a deleterious effect on protein structure/function; Has not been previously published as pathogenic or benign to our knowledge

NM_001348323.3(TRIP12):c.1406C>T (p.Pro469Leu)

Gene: TRIP12 (thyroid hormone receptor interactor 12; minus strand). Cytogenetic location: 2q36.3.
Variant type: single nucleotide variant.
Coding change: c.1406C>T on transcript NM_001348323.3 (MANE Select); coding-DNA position 1406, C replaced by T.
Protein change: p.Pro469Leu; replaces proline 469 with leucine.
Molecular consequence: missense variant.
Genome position (GRCh38, 1-based): chr2:229,829,237, G>A on the plus strand (C>T on the coding strand, the complement: TRIP12 is on the minus strand). VCF-style: chr2-229829237-G-A. GRCh37 (hg19) VCF-style: chr2-230693953-G-A.
Other names: c.1406C>T, p.Pro469Leu (NM_001348333.1, NM_001284214.2, NM_001348315.2 and 11 more transcripts); c.1262C>T, p.Pro421Leu (NM_004238.3); c.1280C>T, p.Pro427Leu (NM_001284215.2, NM_001348316.2, NM_001348317.1 and 2 more transcripts); c.371C>T, p.Pro124Leu (NM_001284216.2); c.1319C>T, p.Pro440Leu (NM_001348332.1); short protein forms P124L, P421L, P427L, P440L, P469L.
Identifiers: ClinVar variation 3392814 (VCV003392814.2).
Genomic context (GRCh38, chr2:229,829,237, plus strand): 5'-GAACATTTTTACTTACTAGCTCCACTTCCAATTGTTCTATGGAAAAGCTGTGACATCCGA[G>A]GACCAAGAGGACCAAATAGGTGAGGGGGAAGACCCCTTGCCTCTAACAAAGCTAAAGAAA-3'
Protein context (NP_001335252.1, residues 459-479): LPPHLFGPLG[Pro469Leu]RMSQLFHRTI